The following is an entry in ClinVar:

ClinVar aggregate classification (germline): Uncertain significance (1 of 4 stars; one submission).

Conditions:
Hajdu-Cheney syndrome (HJCYS). Also called: ACROOSTEOLYSIS WITH OSTEOPOROSIS AND CHANGES IN SKULL AND MANDIBLE; SERPENTINE FIBULA-POLYCYSTIC KIDNEY SYNDROME; Acroosteolysis dominant type. Identifiers: Orphanet 955, MedGen C0917715, MONDO:0007057, OMIM 102500.

Submission:

Labcorp Genetics (formerly Invitae), Labcorp
Classification: Uncertain significance for Hajdu-Cheney syndrome. Last evaluated: 2023-02-27. Review status: criteria provided, single submitter. Criteria: Invitae Variant Classification Sherloc (09022015). Collection method: clinical testing. Allele origin: germline.
Comment: In summary, the available evidence is currently insufficient to determine the role of this variant in disease. Therefore, it has been classified as a Variant of Uncertain Significance. Advanced modeling of protein sequence and biophysical properties (such as structural, functional, and spatial information, amino acid conservation, physicochemical variation, residue mobility, and thermodynamic stability) performed at Invitae indicates that this missense variant is not expected to disrupt NOTCH2 protein function. This variant has not been reported in the literature in individuals affected with NOTCH2-related conditions. This variant is not present in population databases (gnomAD no frequency). This sequence change replaces tyrosine, which is neutral and polar, with cysteine, which is neutral and slightly polar, at codon 1887 of the NOTCH2 protein (p.Tyr1887Cys).

NM_024408.4(NOTCH2):c.5660A>G (p.Tyr1887Cys)

Gene: NOTCH2 (notch receptor 2; minus strand). Cytogenetic location: 1p12.
Variant type: single nucleotide variant.
Coding change: c.5660A>G on transcript NM_024408.4 (MANE Select); coding-DNA position 5660, A replaced by G.
Protein change: p.Tyr1887Cys; replaces tyrosine 1887 with cysteine.
Molecular consequence: missense variant.
Genome position (GRCh38, 1-based): chr1:119,919,433, T>C on the plus strand (A>G on the coding strand, the complement: NOTCH2 is on the minus strand). VCF-style: chr1-119919433-T-C. GRCh37 (hg19) VCF-style: chr1-120462056-T-C.
Other names: short protein forms Y1887C.
Identifiers: ClinVar variation 2841354 (VCV002841354.3), dbSNP rs1321300597, ClinGen allele CA341884328.